The following is an entry in ClinVar:

ClinVar aggregate classification (germline): Pathogenic (1 of 4 stars; one submission).

Conditions:
Retinitis pigmentosa 77 (RP77). Identifiers: MedGen C4310626, MONDO:0015013, OMIM 617304.

Submission:

3billion
Classification: Pathogenic for Retinitis pigmentosa 77. Last evaluated: 2024-09-13. Review status: criteria provided, single submitter. Criteria: ACMG Guidelines, 2015. Collection method: clinical testing. Allele origin: germline. Affected: yes.
Comment: The variant is observed at an extremely low frequency in the gnomAD v4.0.0 dataset (total allele frequency: <0.001%). Predicted Consequence/Location: Frameshift: predicted to result in a loss or disruption of normal protein function through nonsense-mediated decay (NMD) or protein truncation. Multiple pathogenic variants are reported downstream of the variant. The variant has been reported to be associated with REEP6 related disorder (PMID: 33247286 /3billion dataset). Therefore, this variant is classified as Pathogenic according to the recommendation of ACMG/AMP guideline.

Literature cited by the submitters: PubMed 33247286.

NM_138393.4(REEP6):c.280_281del (p.Leu94fs)

Gene: REEP6 (receptor accessory protein 6; plus strand). Cytogenetic location: 19p13.3.
Variant type: Deletion.
Coding change: c.280_281del on transcript NM_138393.4 (MANE Select); coding-DNA positions 280 to 281, 2 bases deleted (CT; older notation c.280_281delCT).
Protein change: p.Leu94fs; shifts the reading frame from leucine 94.
Molecular consequence: frameshift variant.
Genome position (GRCh38, 1-based): chr19:1,495,539-1,495,540, CT deleted. VCF-style (leftmost placement, unchanged base first): chr19-1495538-CCT-C. GRCh37 (hg19) VCF-style: chr19-1495537-CCT-C.
Other names: c.280_281del, p.Leu94fs (NM_001329556.3); short protein forms L94fs.
Identifiers: ClinVar variation 4292703 (VCV004292703.1).